The following is an entry in ClinVar:

NM_007272.3(CTRC):c.161C>T (p.Thr54Met)

Gene: CTRC (chymotrypsin C; plus strand). Cytogenetic location: 1p36.21.
Variant type: single nucleotide variant.
Coding change: c.161C>T on transcript NM_007272.3 (MANE Select); coding-DNA position 161, C replaced by T.
Protein change: p.Thr54Met; replaces threonine 54 with methionine.
Molecular consequence: missense variant.
Genome position (GRCh38, 1-based): chr1:15,440,521, C>T. VCF-style: chr1-15440521-C-T. GRCh37 (hg19) VCF-style: chr1-15767017-C-T.
Other names: short protein forms T54M.
Identifiers: ClinVar variation 851628 (VCV000851628.14), dbSNP rs559326793, ClinGen allele CA613243.
Genomic context (GRCh38, chr1:15,440,521, plus strand): 5'-GCTGACACACAGCCCTCCCCACCCTCCTGCAGATCTCCCTCCAGTACCTCAAGAACGACA[C>T]GTGGAGGCATACGTGTGGCGGGACTTTGATTGCTAGCAACTTCGTCCTCACTGCCGCCCA-3'
Protein context (NP_009203.2, residues 44-64): QISLQYLKND[Thr54Met]WRHTCGGTLI

ClinVar aggregate classification (germline): Uncertain significance. Review status: criteria provided, multiple submitters, no conflicts (2 of 4 stars). 3 submissions from 3 submitters: Uncertain significance (3). Last evaluated 2025-03-26.

Conditions:
Hereditary pancreatitis (PCTT). Also called: Hereditary chronic pancreatitis; PRSS1-Related Hereditary Pancreatitis. Identifiers: Orphanet 676, MedGen C0238339, MONDO:0008185, OMIM 167800.

Allele frequency attached by ClinVar (database versions not stated): ExAC 0.00004; gnomAD 0.00006 and 0.00007; TOPMed 0.00008; 1000 Genomes Project 0.00040; 1000 Genomes Project 30x 0.00047.
gnomAD v4.1: 34 of 1,614,216 alleles (0.0021%); highest among the groups gnomAD compares: Admixed American, 0.028%; no homozygotes.

Submissions (3):

Ambry Genetics
Classification: Uncertain significance for Hereditary pancreatitis. Last evaluated: 2025-03-26. Review status: criteria provided, single submitter. Criteria: Ambry Variant Classification Scheme 2023. Collection method: clinical testing. Allele origin: germline.
Comment: The p.T54M variant (also known as c.161C>T), located in coding exon 3 of the CTRC gene, results from a C to T substitution at nucleotide position 161. The threonine at codon 54 is replaced by methionine, an amino acid with similar properties. This alteration has been reported in a subject with pancreatitis whose mother was also noted to have pancreatitis. Funcational analysis of this alteration suggests an impact on protein secretion on endoplasmic reticulum stress (Tamura K et al. Proc. Natl. Acad. Sci. U.S.A., 2018 05;115:4767-4772). This amino acid position is not well conserved in available vertebrate species. In addition, this alteration is predicted to be tolerated by in silico analysis. Since supporting evidence is limited at this time, the clinical significance of this alteration remains unclear.

Fulgent Genetics
Classification: Uncertain significance for Hereditary pancreatitis. Last evaluated: 2024-06-04. Review status: criteria provided, single submitter. Criteria: ACMG Guidelines, 2015. Collection method: clinical testing. Allele origin: germline.

Labcorp Genetics (formerly Invitae), Labcorp
Classification: Uncertain significance for Hereditary pancreatitis. Last evaluated: 2024-05-06. Review status: criteria provided, single submitter. Criteria: Invitae Variant Classification Sherloc (09022015). Collection method: clinical testing. Allele origin: germline.
Comment: This sequence change replaces threonine, which is neutral and polar, with methionine, which is neutral and non-polar, at codon 54 of the CTRC protein (p.Thr54Met). This variant is present in population databases (rs559326793, gnomAD 0.02%). This missense change has been observed in individual(s) with pancreatic cancer and family history of pancreatitis (PMID: 29669919). ClinVar contains an entry for this variant (Variation ID: 851628). Advanced modeling of protein sequence and biophysical properties (such as structural, functional, and spatial information, amino acid conservation, physicochemical variation, residue mobility, and thermodynamic stability) performed at Invitae indicates that this missense variant is not expected to disrupt CTRC protein function with a negative predictive value of 80%. Experimental studies have shown that this missense change affects CTRC function (PMID: 29669919). In summary, the available evidence is currently insufficient to determine the role of this variant in disease. Therefore, it has been classified as a Variant of Uncertain Significance.

Literature cited by the submitters: PubMed 29669919 (cited by Ambry Genetics and Labcorp Genetics (formerly Invitae), Labcorp).